The following is an entry in ClinVar:

NM_152383.5(DIS3L2):c.1472A>G (p.Lys491Arg)

Gene: DIS3L2 (DIS3 like 3'-5' exoribonuclease 2; plus strand). Cytogenetic location: 2q37.1.
Variant type: single nucleotide variant.
Coding change: c.1472A>G on transcript NM_152383.5 (MANE Select); coding-DNA position 1472, A replaced by G.
Protein change: p.Lys491Arg; replaces lysine 491 with arginine.
Molecular consequence: missense variant. On other transcripts: non-coding transcript variant (2).
Genome position (GRCh38, 1-based): chr2:232,263,253, A>G. VCF-style: chr2-232263253-A-G. GRCh37 (hg19) VCF-style: chr2-233127963-A-G.
Other names: c.1472A>G, p.Lys491Arg (NM_001257281.2); short protein forms K491R.
Identifiers: ClinVar variation 410754 (VCV000410754.10), dbSNP rs776040852, ClinGen allele CA2164166.
Genomic context (GRCh38, chr2:232,263,253, plus strand): 5'-GTCCATCTTTGCAGATCCTTGATGAATGGTTTGGCCGGACCATCATCCGCTCCTGCACCA[A>G]ACTTAGCTACGAGCATGCACAGAGCATGATTGAAAGCCCAACTGAGAAAATCCCTGCGAA-3'
Protein context (NP_689596.4, residues 481-501): FGRTIIRSCT[Lys491Arg]LSYEHAQSMI

ClinVar aggregate classification (germline): Uncertain significance (1 of 4 stars; one submission).

Conditions:
Perlman syndrome (PRLMNS). Identifiers: Orphanet 2849, MedGen C0796113, MONDO:0009965, OMIM 267000.

Allele frequency attached by ClinVar (database versions not stated): gnomAD 0.00001; gnomAD exomes 0.00001; TOPMed 0.00001; ExAC 0.00002.
gnomAD v4.1: 16 of 1,614,086 alleles (0.00099%); highest among the groups gnomAD compares: Admixed American, 0.0017%; no homozygotes.

Submission:

Labcorp Genetics (formerly Invitae), Labcorp
Classification: Uncertain significance for Perlman syndrome. Last evaluated: 2026-01-24. Review status: criteria provided, single submitter. Criteria: Invitae Variant Classification Sherloc (09022015). Collection method: clinical testing. Allele origin: germline.
Comment: This sequence change replaces lysine, which is basic and polar, with arginine, which is basic and polar, at codon 491 of the DIS3L2 protein (p.Lys491Arg). This variant is present in population databases (rs776040852, gnomAD 0.002%). This variant has not been reported in the literature in individuals affected with DIS3L2-related conditions. ClinVar contains an entry for this variant (Variation ID: 410754). Invitae Evidence Modeling of protein sequence and biophysical properties (such as structural, functional, and spatial information, amino acid conservation, physicochemical variation, residue mobility, and thermodynamic stability) indicates that this missense variant is not expected to disrupt DIS3L2 protein function with a negative predictive value of 80%. RNA analysis performed to evaluate the impact of this missense change on mRNA splicing indicates it does not significantly alter splicing (internal data). In summary, the available evidence is currently insufficient to determine the role of this variant in disease. Therefore, it has been classified as a Variant of Uncertain Significance.